The following is an entry in ClinVar:

NM_001366145.2(TRPM3):c.3245C>A (p.Thr1082Asn)

Gene: TRPM3 (transient receptor potential cation channel subfamily M member 3; minus strand). Cytogenetic location: 9q21.12.
Variant type: single nucleotide variant.
Coding change: c.3245C>A on transcript NM_001366145.2 (MANE Select); coding-DNA position 3245, C replaced by A.
Protein change: p.Thr1082Asn; replaces threonine 1082 with asparagine.
Molecular consequence: missense variant.
Genome position (GRCh38, 1-based): chr9:70,553,289, G>T on the plus strand (C>A on the coding strand, the complement: TRPM3 is on the minus strand). VCF-style: chr9-70553289-G-T. GRCh37 (hg19) VCF-style: chr9-73168205-G-T.
Other names: c.3209C>A, p.Thr1070Asn (NM_001007471.4, NM_001366151.2); c.3215C>A, p.Thr1072Asn (NM_001366141.2, NM_001366143.2, NM_001366149.2); c.3251C>A, p.Thr1084Asn (NM_001366142.2); c.3245C>A, p.Thr1082Asn (NM_001366146.2); c.3320C>A, p.Thr1107Asn (NM_001366147.2, NM_001366152.2); c.3290C>A, p.Thr1097Asn (NM_001366148.2); c.3179C>A, p.Thr1060Asn (NM_001366150.2); c.2786C>A, p.Thr929Asn (NM_001366154.2, NM_024971.7); and 5 more; short protein forms T1060N, T1070N, T1072N, T1082N, T1084N, T1097N, T1107N, T907N.
Identifiers: ClinVar variation 1699066 (VCV001699066.3), dbSNP rs1319189898, ClinGen allele CA373554249.

ClinVar aggregate classification (germline): Likely benign (1 of 4 stars; one submission).

Conditions:
Neurodevelopmental disorder. Identifiers: MedGen C1535926, MeSH D065886, MONDO:0700092.

Allele frequency attached by ClinVar (database versions not stated): gnomAD exomes below 0.00001; TOPMed below 0.00001; gnomAD 0.00001.
gnomAD v4.1: 3 of 1,614,084 alleles (0.00019%); highest among the groups gnomAD compares: Non-Finnish European, 0.00025%; no homozygotes.

Submission:

Victorian Clinical Genetics Services, Murdoch Childrens Research Institute
Classification: Likely benign for Neurodevelopmental disorder. Last evaluated: 2022-02-02. Review status: criteria provided, single submitter. Criteria: ACMG Guidelines, 2015. Collection method: clinical testing. Allele origin: germline. Inheritance: Autosomal dominant inheritance. Affected: yes.
Comment: Based on the classification scheme VCGS_Germline_v1.3.4, this variant is classified as Likely benign. Following criteria are met: 0101 - Gain of function is a known mechanism of disease in this gene and is associated with TRPM3-related intellectual disability and epilepsy (PMID: 31278393, PMID: 32427099). (I) 0107 - This gene is associated with autosomal dominant disease. (I) 0200 - Variant is predicted to result in a missense amino acid change from threonine to asparagine. (I) 0251 - This variant is heterozygous. (I) 0301 - Variant is absent from gnomAD (both v2 and v3). (SP) 0502 - Missense variant with conflicting in silico predictions and uninformative conservation. (I) 0604 - Variant is not located in an established domain, motif, hotspot or informative constraint region. (I) 0705 - No comparable missense variants have previous evidence for pathogenicity. (I) 0807 - This variant has no previous evidence of pathogenicity. (I) 0905 - No published segregation evidence has been identified for this variant. (I) 1007 - No published functional evidence has been identified for this variant. (I) Legend: (SP) - Supporting pathogenic, (I) - Information, (SB) - Supporting benign

Literature cited by the submitters: PubMed 31278393; PubMed 32427099.